The following is an entry in ClinVar:

ClinVar aggregate classification (germline): Conflicting classifications of pathogenicity. Review status: criteria provided, conflicting classifications (1 of 4 stars). 17 submissions from 17 submitters: Uncertain significance (7); Likely benign (6). 4 of the submissions do not count toward it. Last evaluated 2025-09-08.

Conditions:
TTN-related disorder. Also called: TTN-related condition; TTN-related disease; TTN-related disorders.
Autosomal recessive limb-girdle muscular dystrophy type 2J (LGMDR10). Also called: Limb-girdle muscular dystrophy, type 2J; MUSCULAR DYSTROPHY, LIMB-GIRDLE, AUTOSOMAL RECESSIVE 10. Identifiers: Orphanet 140922, MedGen C1837342, MONDO:0012127, OMIM 608807.
Dilated cardiomyopathy 1G (CMD1G). Identifiers: Orphanet 154, MedGen C1858763, MONDO:0011400, OMIM 604145.
Cardiovascular phenotype. Identifiers: MedGen CN230736.
Cardiomyopathy (CMYO). Also called: Cardiomyopathies. Identifiers: Orphanet 167848, MedGen C0878544, MONDO:0004994, HP:0001638. Inheritance: Various modes of inheritance.
Intellectual disability. Also called: intellectual disabilities; Intellectual developmental disorder; Intellectual functioning disability. Identifiers: MedGen C3714756, MeSH D008607, MONDO:0001071, HP:0001249.

Allele frequency attached by ClinVar (database versions not stated): gnomAD exomes 0.00014 and 0.00028; ExAC 0.00017; TOPMed 0.00017; gnomAD 0.00021 and 0.00023; ESP Exome Variant Server 0.00025.
gnomAD v4.1: 435 of 1,613,700 alleles (0.027%); highest among the groups gnomAD compares: Non-Finnish European, 0.034%; no homozygotes.

Submissions (17):

Women's Health and Genetics/Laboratory Corporation of America, LabCorp
Classification: Uncertain significance. Last evaluated: 2025-09-08. Review status: criteria provided, single submitter. Criteria: LabCorp Variant Classification Summary - May 2015. Collection method: clinical testing. Allele origin: germline.
Comment: Variant summary: TTN c.91022T>C (p.Val30341Ala) results in a non-conservative amino acid change located in the A band region of the encoded protein sequence. Algorithms developed to predict the effect of missense changes on protein structure and function are either unavailable or do not agree on the potential impact of this missense change. The variant allele was found at a frequency of 0.00015 in 280214 control chromosomes. This frequency is not significantly higher than estimated for disease-causing variants in TTN, allowing no conclusion about variant significance. To our knowledge, no occurrence of c.91022T>C in individuals affected with TTN-related conditions and no experimental evidence demonstrating its impact on protein function have been reported. ClinVar contains an entry for this variant (Variation ID: 47608). Based on the evidence outlined above, the variant was classified as uncertain significance.

Molecular Diagnostic Laboratory for Inherited Cardiovascular Disease, Montreal Heart Institute
Classification: Likely benign. Last evaluated: 2025-07-24. Review status: criteria provided, single submitter. Criteria: ACMG Guidelines, 2015. Collection method: clinical testing. Allele origin: germline. Affected: no.
Comment: BP1

PreventionGenetics, part of Exact Sciences
Classification: Likely benign for TTN-related condition. Last evaluated: 2025-03-31. Review status: criteria provided, single submitter. Criteria: ACMG Guidelines, 2015. Collection method: clinical testing. Allele origin: germline.
Comment: This variant is classified as likely benign based on ACMG/AMP sequence variant interpretation guidelines (Richards et al. 2015 PMID: 25741868, with internal and published modifications).

Blueprint Genetics
Classification: Likely benign. Last evaluated: 2024-09-08. Review status: criteria provided, single submitter. Criteria: ACMG Guidelines, 2015. Collection method: clinical testing. Allele origin: germline.

Revvity Omics, Revvity
Classification: Uncertain significance. Last evaluated: 2024-02-05. Review status: criteria provided, single submitter. Criteria: ACMG Guidelines, 2015. Collection method: clinical testing. Allele origin: germline.

ARUP Laboratories, Molecular Genetics and Genomics, ARUP Laboratories
Classification: Uncertain significance. Last evaluated: 2023-09-27. Review status: criteria provided, single submitter. Criteria: ARUP Molecular Germline Variant Investigation Process 2024. Collection method: clinical testing. Allele origin: germline.
Comment: The TTN c.98726T>C; p.Val32909Ala variant (rs368877793; ClinVar Variation ID: 47608) is rare in the general population (<0.2% allele frequency in the Genome Aggregation Database) and has not been reported in the medical literature in association with dilated cardiomyopathy (DCM) or other TTN-related disease. The clinical relevance of rare missense variants in this gene, which are identified on average once per individual sequenced in affected populations (Herman 2012), is not well understood. Yet, evidence suggests that the vast majority of such missense variants do not contribute to the clinical outcome of DCM (Begay 2015). Thus, the clinical significance of the p.Val32909Ala variant cannot be determined with certainty. References: Begay RL et al. Role of Titin Missense Variants in Dilated Cardiomyopathy. J Am Heart Assoc. 2015 Nov 13;4(11). Herman DS et al. Truncations of titin causing dilated cardiomyopathy. N Engl J Med. 2012 Feb 16;366(7):619-28.

GeneDx
Classification: Likely benign. Last evaluated: 2020-10-01. Review status: criteria provided, single submitter. Criteria: GeneDx Variant Classification Process June 2021. Collection method: clinical testing. Allele origin: germline. Affected: yes.
Comment: This variant is associated with the following publications: (PMID: 24503780)

Ambry Genetics
Classification: Likely benign for Cardiovascular phenotype. Last evaluated: 2020-02-12. Review status: criteria provided, single submitter. Criteria: Ambry Variant Classification Scheme 2023. Collection method: clinical testing. Allele origin: germline.

Cambridge Genomics Laboratory, East Genomic Laboratory Hub, NHS Genomic Medicine Service
Classification: Uncertain significance for Intellectual disability. Last evaluated: 2019-04-17. Review status: criteria provided, single submitter. Criteria: ACGS Best Practice Guidelines for Variant Classification in Rare Disease 2020. Collection method: clinical testing. Allele origin: germline. Affected: yes. Observed: 1 variant allele.

Eurofins Ntd Llc (ga)
Classification: Uncertain significance. Last evaluated: 2018-08-23. Review status: criteria provided, single submitter. Criteria: EGL ClinVar v180209 classification definitions. Collection method: clinical testing. Allele origin: germline. Observed: 5 variant alleles, 5 heterozygotes.

CHEO Genetics Diagnostic Laboratory, Children's Hospital of Eastern Ontario
Classification: Likely benign for Cardiomyopathy. Last evaluated: 2018-05-31. Review status: criteria provided, single submitter. Criteria: ACMG Guidelines, 2015. Collection method: clinical testing. Allele origin: germline.

Labcorp Genetics (formerly Invitae), Labcorp
Classification: Uncertain significance for Dilated cardiomyopathy 1G; Autosomal recessive limb-girdle muscular dystrophy type 2J. Last evaluated: 2017-12-12. Review status: criteria provided, single submitter. Criteria: Invitae Variant Classification Sherloc (09022015). Collection method: clinical testing. Allele origin: germline.

Laboratory for Molecular Medicine, Mass General Brigham Personalized Medicine
Classification: Uncertain significance. Last evaluated: 2011-10-11. Review status: criteria provided, single submitter. Criteria: LMM Criteria. Collection method: clinical testing. Allele origin: germline. Observed: 1 variant allele.
Comment: The Val30341Ala variant has not been reported in the literature or previously id entified by our laboratory. Valine (Val) at position 30341 is conserved in mamma ls, chicken, and fish, though frog carries an isoleucine (Ile), raising the poss ibility that a change may be tolerated. Computational tools (AlignGVGD and SIFT) predict this variant to be benign, though their accuracy is unknown. At this ti me, additional data is required to assess the clinical significance of this vari ant.

Clinical Genetics DNA and cytogenetics Diagnostics Lab, Erasmus MC, Erasmus Medical Center
Classification: Likely benign. Review status: no assertion criteria provided. Collection method: clinical testing. Allele origin: germline. Affected: yes. Study: VKGL Data-share Consensus. Not counted in ClinVar's aggregate classification.

Clinical Genetics, Academic Medical Center
Classification: Likely benign. Review status: no assertion criteria provided. Collection method: clinical testing. Allele origin: germline. Affected: yes. Study: VKGL Data-share Consensus. Not counted in ClinVar's aggregate classification.

Genome Diagnostics Laboratory, University Medical Center Utrecht
Classification: Likely benign. Review status: no assertion criteria provided. Collection method: clinical testing. Allele origin: germline. Affected: yes. Study: VKGL Data-share Consensus. Not counted in ClinVar's aggregate classification.

Joint Genome Diagnostic Labs from Nijmegen and Maastricht, Radboudumc and MUMC+
Classification: Likely benign. Review status: no assertion criteria provided. Collection method: clinical testing. Allele origin: germline. Affected: yes. Study: VKGL Data-share Consensus. Not counted in ClinVar's aggregate classification.

Literature cited by the submitters: PubMed 24503780 (cited by Ambry Genetics).

NM_001267550.2(TTN):c.98726T>C (p.Val32909Ala)

Genes: TTN (titin; minus strand), TTN-AS1 (TTN antisense RNA 1; plus strand). Cytogenetic location: 2q31.2.
Variant type: single nucleotide variant.
Coding change: c.98726T>C on transcript NM_001267550.2 (MANE Select); coding-DNA position 98726, T replaced by C.
Protein change: p.Val32909Ala; replaces valine 32909 with alanine.
Molecular consequence: missense variant. On other transcripts: non-coding transcript variant (1).
Genome position (GRCh38, 1-based): chr2:178,539,209, A>G on the plus strand (T>C on the coding strand, the complement: TTN is on the minus strand). VCF-style: chr2-178539209-A-G. GRCh37 (hg19) VCF-style: chr2-179403936-A-G.
Other names: p.V31268A:GTA>GCA; c.93803T>C, p.Val31268Ala (NM_001256850.1); c.71531T>C, p.Val23844Ala (NM_003319.4); c.91022T>C, p.Val30341Ala (NM_133378.4); c.71906T>C, p.Val23969Ala (NM_133432.3); c.72107T>C, p.Val24036Ala (NM_133437.4); short protein forms V32909A, V30341A, V31268A, V23844A, V23969A, V24036A.
Identifiers: ClinVar variation 47608 (VCV000047608.47), dbSNP rs368877793, ClinGen allele CA141489.